The following is an entry in ClinVar:

NM_001033855.3(DCLRE1C):c.2050_2053del (p.Lys684fs)

Gene: DCLRE1C (DNA cross-link repair 1C; minus strand). Cytogenetic location: 10p13.
Variant type: Deletion.
Coding change: c.2050_2053del on transcript NM_001033855.3 (MANE Select); coding-DNA positions 2050 to 2053, 4 bases deleted (AAAA; older notation c.2050_2053delAAAA).
Protein change: p.Lys684fs; shifts the reading frame from lysine 684.
Molecular consequence: frameshift variant. On other transcripts: non-coding transcript variant (3), intron variant (3).
Genome position (GRCh38, 1-based): chr10:14,908,434-14,908,437, TTTT deleted on the plus strand (AAAA on the coding strand, the reverse complement: DCLRE1C is on the minus strand); deleting any 4 consecutive bases within chr10:14,908,434-14,908,440 gives the same sequence; the c. name uses the placement nearest the transcript's 3' end. VCF-style (leftmost placement, unchanged base first): chr10-14908433-CTTTT-C. GRCh37 (hg19) VCF-style: chr10-14950432-CTTTT-C.
Other names: c.2050_2053delAAAA (NM_001033855.2); c.1690_1693del, p.Lys564fs (NM_001033857.3, NM_001033858.3, NM_001289077.2 and 1 more transcripts); c.1705_1708del, p.Lys569fs (NM_001289076.2, NM_001289078.2, NM_022487.4); c.1437+268_1437+271del (NM_001350966.2); c.1782+268_1782+271del (NM_001350965.2); c.1422+268_1422+271del (NM_001350967.2); short protein forms K564fs, K569fs, K684fs.
Identifiers: ClinVar variation 2197503 (VCV002197503.4), dbSNP rs915913541, ClinGen allele CA203427759.

ClinVar aggregate classification (germline): Uncertain significance. Review status: criteria provided, multiple submitters, no conflicts (2 of 4 stars). 2 submissions from 2 submitters: Uncertain significance (2). Last evaluated 2023-01-04.

Conditions:
Severe combined immunodeficiency due to DCLRE1C deficiency (RS-SCID). Also called: SCID, AUTOSOMAL RECESSIVE, T CELL-NEGATIVE, B CELL-NEGATIVE, NK CELL-POSITIVE, WITH SENSITIVITY TO IONIZING RADIATION. Identifiers: Orphanet 275, MedGen C1865371, MONDO:0011225, OMIM 602450.

Submissions (2):

Women's Health and Genetics/Laboratory Corporation of America, LabCorp
Classification: Uncertain significance. Last evaluated: 2023-01-04. Review status: criteria provided, single submitter. Criteria: LabCorp Variant Classification Summary - May 2015. Collection method: clinical testing. Allele origin: germline.
Comment: Variant summary: DCLRE1C c.2050_2053delAAAA (p.Lys684GlufsX6) results in a premature termination codon, predicted to cause a truncation of the encoded protein or absence of the protein due to nonsense mediated decay, which are commonly known mechanisms for disease. However, this variant causes a truncation of less than 5 amino acids of the 692 amino acid protein. The variant was absent in 251144 control chromosomes. The available data on variant occurrences in the general population are insufficient to allow any conclusion about variant significance. To our knowledge, no occurrence of c.2050_2053delAAAA in individuals affected with Severe Combined Immunodeficiency and no experimental evidence demonstrating its impact on protein function have been reported. No clinical diagnostic laboratories have submitted clinical-significance assessments for this variant to ClinVar after 2014. Based on the evidence outlined above, the variant was classified as uncertain significance.

Labcorp Genetics (formerly Invitae), Labcorp
Classification: Uncertain significance for Athabaskan severe combined immunodeficiency. Last evaluated: 2022-03-29. Review status: criteria provided, single submitter. Criteria: Invitae Variant Classification Sherloc (09022015). Collection method: clinical testing. Allele origin: germline.
Comment: This sequence change creates a premature translational stop signal (p.Lys684Glufs*6) in the DCLRE1C gene. While this is not anticipated to result in nonsense mediated decay, it is expected to disrupt the last 9 amino acid(s) of the DCLRE1C protein. This variant is present in population databases (no rsID available, gnomAD 0.02%). This variant has not been reported in the literature in individuals affected with DCLRE1C-related conditions. In summary, the available evidence is currently insufficient to determine the role of this variant in disease. Therefore, it has been classified as a Variant of Uncertain Significance.